The following is an entry in ClinVar:

ClinVar aggregate classification (germline): Likely benign (1 of 4 stars; one submission).

Allele frequency attached by ClinVar (database versions not stated): ExAC 0.00003; gnomAD 0.00003; gnomAD exomes 0.00004; TOPMed 0.00004; ESP Exome Variant Server 0.00008.

Submission:

CeGaT Center for Human Genetics Tuebingen
Classification: Likely benign. Last evaluated: 2022-12-01. Review status: criteria provided, single submitter. Criteria: CeGaT Center For Human Genetics Tuebingen Variant Classification Criteria Version 2. Collection method: clinical testing. Allele origin: germline. Affected: yes. Observed: 1 variant allele.
Comment: POLR2A: BP4, BP7

NM_000937.5(POLR2A):c.1173G>A (p.Ala391=)

Gene: POLR2A (RNA polymerase II subunit A; plus strand). Cytogenetic location: 17p13.1.
Variant type: single nucleotide variant.
Coding change: c.1173G>A on transcript NM_000937.5 (MANE Select); coding-DNA position 1173, G replaced by A.
Protein change: p.Ala391=; no amino-acid change (alanine 391 retained).
Molecular consequence: synonymous variant.
Genome position (GRCh38, 1-based): chr17:7,497,841, G>A. VCF-style: chr17-7497841-G-A. GRCh37 (hg19) VCF-style: chr17-7401160-G-A.
Identifiers: ClinVar variation 2647346 (VCV002647346.24), dbSNP rs377580743, ClinGen allele CA8349360.